The following is an entry in ClinVar:

ClinVar aggregate classification (germline): Conflicting classifications of pathogenicity. Review status: criteria provided, conflicting classifications (1 of 4 stars). 2 submissions from 2 submitters: Uncertain significance (1); Likely benign (1). Last evaluated 2026-01-17.

Conditions:
Tuberous sclerosis 1 (TSC1). Identifiers: Orphanet 805, MedGen C1854465, MONDO:0008612, OMIM 191100.

Submissions (2):

Labcorp Genetics (formerly Invitae), Labcorp
Classification: Likely benign for Tuberous sclerosis 1. Last evaluated: 2026-01-17. Review status: criteria provided, single submitter. Criteria: Invitae Variant Classification Sherloc (09022015). Collection method: clinical testing. Allele origin: germline.

CeGaT Center for Human Genetics Tuebingen
Classification: Uncertain significance. Last evaluated: 2023-07-01. Review status: criteria provided, single submitter. Criteria: CeGaT Center For Human Genetics Tuebingen Variant Classification Criteria Version 2. Collection method: clinical testing. Allele origin: germline. Affected: yes. Observed: 1 variant allele.
Comment: TSC1: PM2, BP4

NM_000368.5(TSC1):c.2391+12A>G

Gene: TSC1 (TSC complex subunit 1; minus strand). Cytogenetic location: 9q34.13.
Variant type: single nucleotide variant.
Coding change: c.2391+12A>G on transcript NM_000368.5 (MANE Select); 12 bases into the intron after coding-DNA position 2391, A replaced by G.
Molecular consequence: intron variant.
Genome position (GRCh38, 1-based): chr9:132,902,593, T>C on the plus strand (A>G on the coding strand, the complement: TSC1 is on the minus strand). VCF-style: chr9-132902593-T-C. GRCh37 (hg19) VCF-style: chr9-135777980-T-C.
Other names: c.2028+12A>G (NM_001362177.2); c.2238+12A>G (NM_001162427.2); c.2388+12A>G (NM_001162426.2).
Identifiers: ClinVar variation 1581883 (VCV001581883.33), dbSNP rs2131727338, ClinGen allele CA2573144224.